The following is an entry in ClinVar:

ClinVar aggregate classification (germline): Likely benign. Review status: criteria provided, multiple submitters, no conflicts (2 of 4 stars). 2 submissions from 2 submitters: Likely benign (2). Last evaluated 2025-10-14.

Conditions:
Muscular dystrophy-dystroglycanopathy (congenital with brain and eye anomalies), type A9. Also called: Muscular dystrophy-dystroglycanopathy (congenital with brain and eye anomalies), type a, 9; WALKER-WARBURG SYNDROME OR MUSCLE-EYE BRAIN DISEASE, DAG1-RELATED. Identifiers: Orphanet 370997, Orphanet 899, MedGen C4225291, MONDO:0014683, OMIM 616538.
Autosomal recessive limb-girdle muscular dystrophy type 2P. Also called: MUSCULAR DYSTROPHY-DYSTROGLYCANOPATHY, LIMB-GIRDLE, DAG1-RELATED; Limb-Girdle Muscular Dystrophy Type 9C; MUSCULAR DYSTROPHY, LIMB-GIRDLE, TYPE 2P. Identifiers: Orphanet 280333, MedGen C4511963, MONDO:0013440, OMIM 613818.

Allele frequency attached by ClinVar (database versions not stated): TOPMed 0.00015; gnomAD 0.00006.
gnomAD v4.1: 34 of 1,614,054 alleles (0.0021%); highest among the groups gnomAD compares: African/African-American, 0.039%; no homozygotes.

Submissions (2):

Labcorp Genetics (formerly Invitae), Labcorp
Classification: Likely benign for Autosomal recessive limb-girdle muscular dystrophy type 2P; Muscular dystrophy-dystroglycanopathy (congenital with brain and eye anomalies), type A9. Last evaluated: 2025-10-14. Review status: criteria provided, single submitter. Criteria: Invitae Variant Classification Sherloc (09022015). Collection method: clinical testing. Allele origin: germline.

GeneDx
Classification: Likely benign. Last evaluated: 2018-06-20. Review status: criteria provided, single submitter. Criteria: GeneDx Variant Classification (06012015). Collection method: clinical testing. Allele origin: germline. Affected: yes.
Comment: This variant is considered likely benign or benign based on one or more of the following criteria: it is a conservative change, it occurs at a poorly conserved position in the protein, it is predicted to be benign by multiple in silico algorithms, and/or has population frequency not consistent with disease.

NM_004393.6(DAG1):c.510C>A (p.Ala170=)

Gene: DAG1 (dystroglycan 1; plus strand). Cytogenetic location: 3p21.31.
Variant type: single nucleotide variant.
Coding change: c.510C>A on transcript NM_004393.6 (MANE Select); coding-DNA position 510, C replaced by A.
Protein change: p.Ala170=; no amino-acid change (alanine 170 retained).
Molecular consequence: synonymous variant.
Genome position (GRCh38, 1-based): chr3:49,531,021, C>A. VCF-style: chr3-49531021-C-A. GRCh37 (hg19) VCF-style: chr3-49568454-C-A.
Other names: c.510C>A, p.Ala170= (NM_001165928.4, NM_001177634.3, NM_001177635.3 and 9 more transcripts).
Identifiers: ClinVar variation 673940 (VCV000673940.11), dbSNP rs147153370, ClinGen allele CA2398920.